The following is an entry in ClinVar:

ClinVar aggregate classification (germline): Likely benign. Review status: criteria provided, multiple submitters, no conflicts (2 of 4 stars). 4 submissions from 4 submitters: Likely benign (3). 1 of the submissions does not count toward it. Last evaluated 2025-12-29.

Conditions:
Shprintzen-Goldberg syndrome (SGS). Also called: SHPRINTZEN-GOLDBERG CRANIOSYNOSTOSIS SYNDROME; CRANIOSYNOSTOSIS WITH ARACHNODACTYLY AND ABDOMINAL HERNIAS; Marfanoid disorder with craniosynostosis type 1; Marfanoid craniosynostosis syndrome; Shprintzen-Goldberg marfanoid syndrome. Identifiers: Orphanet 2462, MedGen C1321551, MONDO:0008426, OMIM 182212.
SKI-related disorder. Also called: SKI-related condition.
Familial thoracic aortic aneurysm and aortic dissection (TAAD). Also called: Thoracic aortic aneurysms and dissections. Identifiers: Orphanet 91387, MedGen C4707243, MONDO:0019625.

Allele frequency attached by ClinVar (database versions not stated): gnomAD exomes 0.00005 and 0.00004; gnomAD 0.00009 and 0.00008; TOPMed 0.00010; ExAC 0.00006; ESP Exome Variant Server 0.00016.
gnomAD v4.1: 71 of 1,612,214 alleles (0.0044%); highest among the groups gnomAD compares: African/African-American, 0.032%; no homozygotes.

Submissions (4):

Labcorp Genetics (formerly Invitae), Labcorp
Classification: Likely benign for Shprintzen-Goldberg syndrome. Last evaluated: 2025-12-29. Review status: criteria provided, single submitter. Criteria: Invitae Variant Classification Sherloc (09022015). Collection method: clinical testing. Allele origin: germline.

Ambry Genetics
Classification: Likely benign for Familial thoracic aortic aneurysm and aortic dissection. Last evaluated: 2022-04-03. Review status: criteria provided, single submitter. Criteria: Ambry Variant Classification Scheme 2023. Collection method: clinical testing. Allele origin: germline.

GeneDx
Classification: Likely benign. Last evaluated: 2021-01-07. Review status: criteria provided, single submitter. Criteria: GeneDx Variant Classification Process June 2021. Collection method: clinical testing. Allele origin: germline. Affected: yes.

PreventionGenetics, part of Exact Sciences
Classification: Likely benign for SKI-related condition. Last evaluated: 2022-08-06. Review status: no assertion criteria provided. Collection method: clinical testing. Allele origin: germline. Not counted in ClinVar's aggregate classification.
Comment: This variant is classified as likely benign based on ACMG/AMP sequence variant interpretation guidelines (Richards et al. 2015 PMID: 25741868, with internal and published modifications).

NM_003036.4(SKI):c.1269G>A (p.Pro423=)

Gene: SKI (SKI proto-oncogene; plus strand). Cytogenetic location: 1p36.32.
Variant type: single nucleotide variant.
Coding change: c.1269G>A on transcript NM_003036.4 (MANE Select); coding-DNA position 1269, G replaced by A.
Protein change: p.Pro423=; no amino-acid change (proline 423 retained).
Molecular consequence: synonymous variant.
Genome position (GRCh38, 1-based): chr1:2,303,897, G>A. VCF-style: chr1-2303897-G-A. GRCh37 (hg19) VCF-style: chr1-2235336-G-A.
Identifiers: ClinVar variation 387432 (VCV000387432.16), dbSNP rs375600617, ClinGen allele CA536654.
Genomic context (GRCh38, chr1:2,303,897, plus strand): 5'-CAGCTTCTACTCCTACAAGAGCTTTGAGACAGCCGTGGCGCCCAACGTGGCCCTCGCACC[G>A]CCGGCCCAGCAGAAGGTTGTGAGCAGCCCTCCGTGTGCCGCCGCCGTCTCCCGGGCCCCC-3'
Protein context (NP_003027.1, residues 413-433): TAVAPNVALA[Pro423=]PAQQKVVSSP